The following is an entry in ClinVar:

NM_004369.4(COL6A3):c.7187G>A (p.Cys2396Tyr)

Gene: COL6A3 (collagen type VI alpha 3 chain; minus strand). Cytogenetic location: 2q37.3.
Variant type: single nucleotide variant.
Coding change: c.7187G>A on transcript NM_004369.4 (MANE Select); coding-DNA position 7187, G replaced by A.
Protein change: p.Cys2396Tyr; replaces cysteine 2396 with tyrosine.
Molecular consequence: missense variant.
Genome position (GRCh38, 1-based): chr2:237,344,831, C>T on the plus strand (G>A on the coding strand, the complement: COL6A3 is on the minus strand). VCF-style: chr2-237344831-C-T. GRCh37 (hg19) VCF-style: chr2-238253474-C-T.
Other names: c.5366G>A, p.Cys1789Tyr (NM_057166.5); c.6569G>A, p.Cys2190Tyr (NM_057167.4); short protein forms C1789Y, C2190Y, C2396Y.
Identifiers: ClinVar variation 3365217 (VCV003365217.1).

ClinVar aggregate classification (germline): Uncertain significance (1 of 4 stars; one submission).

Submission:

GeneDx
Classification: Uncertain significance. Last evaluated: 2023-12-07. Review status: criteria provided, single submitter. Criteria: GeneDx Variant Classification Process June 2021. Collection method: clinical testing. Allele origin: germline. Affected: yes.
Comment: Not observed at significant frequency in large population cohorts (gnomAD); In silico analysis supports that this missense variant has a deleterious effect on protein structure/function; Has not been previously published as pathogenic or benign to our knowledge